The following is an entry in ClinVar:

NM_007294.4(BRCA1):c.1392dup (p.Tyr465fs)

Gene: BRCA1 (BRCA1 DNA repair associated; minus strand). Cytogenetic location: 17q21.31.
Variant type: Duplication.
Coding change: c.1392dup on transcript NM_007294.4 (MANE Select); coding-DNA position 1392, one base duplicated (C; older notation c.1392dupC).
Protein change: p.Tyr465fs; shifts the reading frame from tyrosine 465.
Molecular consequence: frameshift variant. On other transcripts: intron variant (137).
Genome position (GRCh38, 1-based): chr17:43,094,139, G duplicated on the plus strand (C on the coding strand, the reverse complement: BRCA1 is on the minus strand); the first of 2 consecutive G bases (chr17:43,094,139-43,094,140); duplicating either gives the same sequence. VCF-style (leftmost placement, unchanged base first): chr17-43094138-A-AG. GRCh37 (hg19) VCF-style: chr17-41246155-A-AG.
Other names: 1511insC; c.1392dupC (NM_007294.3); c.1179dup, p.Tyr394fs (NM_001407571.1, NM_001407853.1, NM_001407894.1 and 9 more transcripts); c.1392dup, p.Tyr465fs (NM_001407581.1, NM_001407582.1, NM_001407583.1 and 30 more transcripts); c.1389dup, p.Tyr464fs (NM_001407587.1, NM_001407590.1, NM_001407591.1 and 22 more transcripts); c.1383dup, p.Tyr462fs (NM_001407646.1, NM_001407647.1); c.1269dup, p.Tyr424fs (NM_001407648.1, NM_001407664.1, NM_001407665.1 and 19 more transcripts); c.1266dup, p.Tyr423fs (NM_001407649.1, NM_001407670.1, NM_001407671.1 and 11 more transcripts); and 42 more; short protein forms Y465fs, Y418fs, Y297fs, Y377fs, Y395fs, Y397fs, Y439fs, Y169fs.
Identifiers: ClinVar variation 125499 (VCV000125499.3), dbSNP rs80357592, ClinGen allele CA000933.

ClinVar aggregate classification (germline): Pathogenic. Review status: reviewed by expert panel (3 of 4 stars). 2 submissions from 2 submitters: Pathogenic (1). 1 of the submissions does not count toward it. Last evaluated 2016-09-08.

Conditions:
Breast-ovarian cancer, familial, susceptibility to, 1 (BROVCA1). Also called: BRCA1 Hereditary Breast and Ovarian Cancer; OVARIAN CANCER, SUSCEPTIBILITY TO. Identifiers: Orphanet 145, MedGen C2676676, MONDO:0011450, OMIM 604370. Disease mechanism: loss of function.

Submissions (2):

Evidence-based Network for the Interpretation of Germline Mutant Alleles (ENIGMA)
Classification: Pathogenic for Breast-ovarian cancer, familial, susceptibility to, 1. Last evaluated: 2016-09-08. Review status: reviewed by expert panel. Criteria: ENIGMA BRCA1/2 Classification Criteria (2015). Collection method: curation. Allele origin: germline.
Comment: Variant allele predicted to encode a truncated non-functional protein.

Breast Cancer Information Core (BIC) (BRCA1)
Classification: Pathogenic for Breast-ovarian cancer, familial 1. Last evaluated: 1999-03-24. Review status: no assertion criteria provided. Collection method: clinical testing. Allele origin: germline. Affected: yes. Observed: 1 variant allele. Not counted in ClinVar's aggregate classification.